The following is an entry in ClinVar:

GRCh38/hg38 4p16.3-16.2(chr4:520412-5095230)x1

Genes: LRPAP1 (LDL receptor related protein associated protein 1; minus strand), LYAR (Ly1 antibody reactive; minus strand), MAEA (macrophage erythroblast attacher, E3 ubiquitin ligase; plus strand), MIR4800 (microRNA 4800; minus strand), MIR943 (microRNA 943; minus strand) and 312 more. Cytogenetic location: 4p16.3-16.2.
Variant type: copy number loss.
Change: copy number 1 (one copy instead of two) of chr4:520,412-5,095,230 (4.57 Mb, GRCh38 coordinates, 1-based), cytogenetic band 4p16.3-16.2.
Identifiers: ClinVar variation 4890970 (VCV004890970.1).

ClinVar aggregate classification (germline): Pathogenic (1 of 4 stars; one submission).

Submission:

Clinical Genomics Laboratory, Laboratory for Precision Diagnostics, University of Washington
Classification: Pathogenic. Last evaluated: 2023-12-21. Review status: criteria provided, single submitter. Criteria: ACMG/ClinGen CNV Guidelines, 2019. Collection method: clinical testing. Allele origin: unknown. Affected: yes. Observed: 1 variant allele.
Comment: This interstitial deletion is approximately 4.57 Mb in size and contains 59 protein-coding genes, including NSD2 (WHSC1) and MSX1. The deletion encompasses nearly the entire critical region for Wolf-Hirschhorn syndrome (WHS).

Literature cited by the submitters: PubMed 18932124.